The following is an entry in ClinVar:

NM_015072.5(TTLL5):c.500G>A (p.Cys167Tyr)

Gene: TTLL5 (tubulin tyrosine ligase like 5; plus strand). Cytogenetic location: 14q24.3.
Variant type: single nucleotide variant.
Coding change: c.500G>A on transcript NM_015072.5 (MANE Select); coding-DNA position 500, G replaced by A.
Protein change: p.Cys167Tyr; replaces cysteine 167 with tyrosine.
Molecular consequence: missense variant.
Genome position (GRCh38, 1-based): chr14:75,690,320, G>A. VCF-style: chr14-75690320-G-A. GRCh37 (hg19) VCF-style: chr14-76156663-G-A.
Other names: short protein forms C167Y.
Identifiers: ClinVar variation 2001848 (VCV002001848.4), dbSNP rs1885357442, ClinGen allele CA390453818.

ClinVar aggregate classification (germline): Uncertain significance (1 of 4 stars; one submission).

Allele frequency attached by ClinVar (database versions not stated): gnomAD exomes below 0.00001.
gnomAD v4.1: 3 of 1,605,440 alleles (0.00019%); highest among the groups gnomAD compares: Non-Finnish European, 0.00017%; no homozygotes.

Submission:

Labcorp Genetics (formerly Invitae), Labcorp
Classification: Uncertain significance. Last evaluated: 2023-08-04. Review status: criteria provided, single submitter. Criteria: Invitae Variant Classification Sherloc (09022015). Collection method: clinical testing. Allele origin: germline.
Comment: In summary, the available evidence is currently insufficient to determine the role of this variant in disease. Therefore, it has been classified as a Variant of Uncertain Significance. An algorithm developed to predict the effect of missense changes on protein structure and function (PolyPhen-2) suggests that this variant is likely to be tolerated. ClinVar contains an entry for this variant (Variation ID: 2001848). This variant has not been reported in the literature in individuals affected with TTLL5-related conditions. This variant is not present in population databases (gnomAD no frequency). This sequence change replaces cysteine, which is neutral and slightly polar, with tyrosine, which is neutral and polar, at codon 167 of the TTLL5 protein (p.Cys167Tyr).